The following is an entry in ClinVar:

ClinVar aggregate classification (germline): Uncertain significance (1 of 4 stars; one submission).

Conditions:
Spondyloepiphyseal dysplasia with congenital joint dislocations (SEDCJD). Also called: Chondrodysplasia with Congenital Joint Dislocations, CHST3-Related. Identifiers: Orphanet 263463, MedGen C1837657, MONDO:0007738, OMIM 143095.

gnomAD v4.1: 12 of 1,552,142 alleles (0.00077%); highest among the groups gnomAD compares: African/African-American, 0.014%; no homozygotes.

Submission:

Labcorp Genetics (formerly Invitae), Labcorp
Classification: Uncertain significance for Spondyloepiphyseal dysplasia with congenital joint dislocations. Last evaluated: 2025-10-23. Review status: criteria provided, single submitter. Criteria: Invitae Variant Classification Sherloc (09022015). Collection method: clinical testing. Allele origin: germline.
Comment: This sequence change replaces proline, which is neutral and non-polar, with threonine, which is neutral and polar, at codon 392 of the CHST3 protein (p.Pro392Thr). This variant is present in population databases (rs760437804, gnomAD 0.01%). This variant has not been reported in the literature in individuals affected with CHST3-related conditions. Invitae Evidence Modeling of protein sequence and biophysical properties (such as structural, functional, and spatial information, amino acid conservation, physicochemical variation, residue mobility, and thermodynamic stability) indicates that this missense variant is not expected to disrupt CHST3 protein function with a negative predictive value of 95%. In summary, the available evidence is currently insufficient to determine the role of this variant in disease. Therefore, it has been classified as a Variant of Uncertain Significance.

NM_004273.5(CHST3):c.1174C>A (p.Pro392Thr)

Gene: CHST3 (carbohydrate sulfotransferase 3; plus strand). Cytogenetic location: 10q22.1.
Variant type: single nucleotide variant.
Coding change: c.1174C>A on transcript NM_004273.5 (MANE Select); coding-DNA position 1174, C replaced by A.
Protein change: p.Pro392Thr; replaces proline 392 with threonine.
Molecular consequence: missense variant.
Genome position (GRCh38, 1-based): chr10:72,008,205, C>A. VCF-style: chr10-72008205-C-A. GRCh37 (hg19) VCF-style: chr10-73767963-C-A.
Other names: c.1174C>A, p.Pro392Thr (NM_001441201.1, NM_001441202.1); short protein forms P392T.
Identifiers: ClinVar variation 4699427 (VCV004699427.1).
Genomic context (GRCh38, chr10:72,008,205, plus strand): 5'-GAGGACGTGGCACGCGGGCCGCTGCAGAAGGCCCGCGAGATGTACCGCTTCGCCGGCATC[C>A]CCCTGACCCCGCAGGTGGAAGACTGGATCCAAAAGAACACGCAGGCGGCCCACGACGGCA-3'
Protein context (NP_004264.2, residues 382-402): AREMYRFAGI[Pro392Thr]LTPQVEDWIQ